The following is an entry in ClinVar:

NM_016616.5(NME8):c.239A>G (p.Asp80Gly)

Gene: NME8 (NME/NM23 family member 8; plus strand). Cytogenetic location: 7p14.1.
Variant type: single nucleotide variant.
Coding change: c.239A>G on transcript NM_016616.5 (MANE Select); coding-DNA position 239, A replaced by G.
Protein change: p.Asp80Gly; replaces aspartic acid 80 with glycine.
Molecular consequence: missense variant.
Genome position (GRCh38, 1-based): chr7:37,857,314, A>G. VCF-style: chr7-37857314-A-G. GRCh37 (hg19) VCF-style: chr7-37896916-A-G.
Other names: short protein forms D80G.
Identifiers: ClinVar variation 4772912 (VCV004772912.1).

ClinVar aggregate classification (germline): Uncertain significance (1 of 4 stars; one submission).

Conditions:
Primary ciliary dyskinesia 6. Also called: Primary Ciliary Dyskinesia 6: TXNDC3-Related Primary Ciliary Dyskinesia. Identifiers: Orphanet 244, MedGen C1970506, MONDO:0012571, OMIM 610852.

gnomAD v4.1: 7 of 1,611,454 alleles (0.00043%); highest among the groups gnomAD compares: Admixed American, 0.0083%; no homozygotes.

Submission:

Labcorp Genetics (formerly Invitae), Labcorp
Classification: Uncertain significance for Primary ciliary dyskinesia 6. Last evaluated: 2026-01-04. Review status: criteria provided, single submitter. Criteria: Invitae Variant Classification Sherloc (09022015). Collection method: clinical testing. Allele origin: germline.
Comment: This sequence change replaces aspartic acid, which is acidic and polar, with glycine, which is neutral and non-polar, at codon 80 of the NME8 protein (p.Asp80Gly). This variant is present in population databases (rs747465574, gnomAD 0.006%). This variant has not been reported in the literature in individuals affected with NME8-related conditions. Invitae Evidence Modeling of protein sequence and biophysical properties (such as structural, functional, and spatial information, amino acid conservation, physicochemical variation, residue mobility, and thermodynamic stability) indicates that this missense variant is not expected to disrupt NME8 protein function with a negative predictive value of 80%. Algorithms developed to predict the effect of sequence changes on RNA splicing suggest that this variant may disrupt the consensus splice site. In summary, the available evidence is currently insufficient to determine the role of this variant in disease. Therefore, it has been classified as a Variant of Uncertain Significance.